The following is an entry in ClinVar:

NM_000057.4(BLM):c.2406+2T>G

Gene: BLM (BLM RecQ like helicase; plus strand). Cytogenetic location: 15q26.1.
Variant type: single nucleotide variant.
Coding change: c.2406+2T>G on transcript NM_000057.4 (MANE Select); the canonical splice donor site of the intron after coding-DNA position 2406, T replaced by G.
Molecular consequence: splice donor variant.
Genome position (GRCh38, 1-based): chr15:90,769,233, T>G. VCF-style: chr15-90769233-T-G. GRCh37 (hg19) VCF-style: chr15-91312463-T-G.
Other names: c.2406+2T>G (NM_001287246.2, NM_001287247.2); c.1281+2T>G (NM_001287248.2).
Identifiers: ClinVar variation 1331371 (VCV001331371.2), dbSNP rs367543016, ClinGen allele CA344507.

ClinVar aggregate classification (germline): Pathogenic/Likely pathogenic. Review status: criteria provided, multiple submitters, no conflicts (2 of 4 stars). 2 submissions from 2 submitters: Pathogenic (1); Likely pathogenic (1). Last evaluated 2023-08-11.

Conditions:
Bloom syndrome (BLM). Also called: Bloom-Torre-Machacek syndrome. Identifiers: Orphanet 125, MedGen C0005859, MONDO:0008876, OMIM 210900.

Allele frequency attached by ClinVar (database versions not stated): gnomAD exomes below 0.00001.
gnomAD v4.1: 1 of 1,603,996 alleles (0.000062%); highest among the groups gnomAD compares: African/African-American, 0.0013%; no homozygotes.

Submissions (2):

Baylor Genetics
Classification: Pathogenic for Bloom syndrome. Last evaluated: 2023-08-11. Review status: criteria provided, single submitter. Criteria: ACMG Guidelines, 2015. Collection method: clinical testing. Allele origin: unknown.

Women's Health and Genetics/Laboratory Corporation of America, LabCorp
Classification: Likely pathogenic for Bloom syndrome. Last evaluated: 2021-12-02. Review status: criteria provided, single submitter. Criteria: LabCorp Variant Classification Summary - May 2015. Collection method: clinical testing. Allele origin: germline.
Comment: Variant summary: BLM c.2406+2T>G is located in a canonical splice-site and is predicted to affect mRNA splicing resulting in a significantly altered protein due to either exon skipping, shortening, or inclusion of intronic material. Several computational tools predict a significant impact on normal splicing: Four predict the variant abolishes a canonical 5' splicing donor site. However, these predictions have yet to be confirmed by functional studies. The variant was absent in 251448 control chromosomes (gnomAD). c.2406+2T>G has been reported in the literature in individuals affected with Bloom Syndrome without evidence for causality (example: German_2007). This report does not provide unequivocal conclusions about association of the variant with Bloom Syndrome. To our knowledge, no experimental evidence demonstrating an impact on protein function has been reported. No clinical diagnostic laboratories have submitted clinical-significance assessments for this variant to ClinVar after 2014. Based on the evidence outlined above, the variant was classified as likely pathogenic.

Literature cited by the submitters: PubMed 17407155 (cited by Women's Health and Genetics/Laboratory Corporation of America, LabCorp); PubMed 25525159 (cited by Women's Health and Genetics/Laboratory Corporation of America, LabCorp).